The following is an entry in ClinVar:

ClinVar aggregate classification (germline): Uncertain significance (1 of 4 stars; one submission).

Conditions:
Atrioventricular septal defect 5 (AVSD5). Identifiers: MedGen C3280939, MONDO:0013769, OMIM 614474.

Submission:

Labcorp Genetics (formerly Invitae), Labcorp
Classification: Uncertain significance for Atrioventricular septal defect 5. Last evaluated: 2022-12-21. Review status: criteria provided, single submitter. Criteria: Invitae Variant Classification Sherloc (09022015). Collection method: clinical testing. Allele origin: germline.
Comment: This sequence change replaces alanine, which is neutral and non-polar, with valine, which is neutral and non-polar, at codon 261 of the GATA6 protein (p.Ala261Val). The frequency data for this variant in the population databases is considered unreliable, as metrics indicate insufficient coverage at this position in the gnomAD database. This variant has not been reported in the literature in individuals affected with GATA6-related conditions. Advanced modeling of protein sequence and biophysical properties (such as structural, functional, and spatial information, amino acid conservation, physicochemical variation, residue mobility, and thermodynamic stability) performed at Invitae indicates that this missense variant is not expected to disrupt GATA6 protein function. In summary, the available evidence is currently insufficient to determine the role of this variant in disease. Therefore, it has been classified as a Variant of Uncertain Significance.

NM_005257.6(GATA6):c.782C>T (p.Ala261Val)

Gene: GATA6 (GATA binding protein 6; plus strand). Cytogenetic location: 18q11.2.
Variant type: single nucleotide variant.
Coding change: c.782C>T on transcript NM_005257.6 (MANE Select); coding-DNA position 782, C replaced by T.
Protein change: p.Ala261Val; replaces alanine 261 with valine.
Molecular consequence: missense variant.
Genome position (GRCh38, 1-based): chr18:22,171,926, C>T. VCF-style: chr18-22171926-C-T. GRCh37 (hg19) VCF-style: chr18-19751887-C-T.
Other names: short protein forms A261V.
Identifiers: ClinVar variation 2755290 (VCV002755290.3), dbSNP rs1157838873, ClinGen allele CA401800786.
Genomic context (GRCh38, chr18:22,171,926, plus strand): 5'-CGGCTGGCGGCGGGGCCGCGGGGCCTGGCGGCGCTGGCTCAGCCGCGGCGCACGTCTCGG[C>T]GCGCTTCCCCTACTCTCCCAGCCCGCCCATGGCCAACGGCGCCGCGCGGGAGCCGGGAGG-3'
Protein context (NP_005248.2, residues 251-271): GAGSAAAHVS[Ala261Val]RFPYSPSPPM